The following is an entry in ClinVar:

ClinVar aggregate classification (germline): Uncertain significance (1 of 4 stars; one submission).

Submission:

Ambry Genetics
Classification: Uncertain significance. Last evaluated: 2022-06-08. Review status: criteria provided, single submitter. Criteria: Ambry Variant Classification Scheme 2023. Collection method: clinical testing. Allele origin: germline.
Comment: The c.2747delC variant, located in coding exon 24 of the KIF1B gene, results from a deletion of one nucleotide at nucleotide position 2747, causing a translational frameshift with a predicted alternate stop codon (p.P916Rfs*11). This alteration is expected to result in premature protein truncation or nonsense-mediated mRNA decay. However, loss of function of KIF1B has not been clearly established as a mechanism of disease. Since supporting evidence is limited at this time, the clinical significance of this alteration remains unclear.

NM_001365951.3(KIF1B):c.2885del (p.Pro962fs)

Genes: KIF1B (kinesin family member 1B; plus strand), LOC126805614 (BRD4-independent group 4 enhancer GRCh37_chr1:10385546-10386745; plus strand). Cytogenetic location: 1p36.22.
Variant type: Deletion.
Coding change: c.2885del on transcript NM_001365951.3 (MANE Select); coding-DNA position 2885, one base deleted (C; older notation c.2885delC).
Protein change: p.Pro962fs; shifts the reading frame from proline 962.
Molecular consequence: frameshift variant.
Genome position (GRCh38, 1-based): chr1:10,326,320, C deleted; the last of 3 consecutive C bases (chr1:10,326,318-10,326,320); deleting any one gives the same sequence. VCF-style (leftmost placement, unchanged base first): chr1-10326317-AC-A. GRCh37 (hg19) VCF-style: chr1-10386375-AC-A.
Other names: c.2885del, p.Pro962fs (NM_001365952.1); c.2747del, p.Pro916fs (NM_015074.3); c.2747delC (NM_015074.3); short protein forms P962fs, P916fs.
Identifiers: ClinVar variation 1795497 (VCV001795497.2), dbSNP rs2521641306, ClinGen allele CA2580060444.